The following is an entry in ClinVar:

ClinVar aggregate classification (germline): Uncertain significance (1 of 4 stars; one submission).

Conditions:
Combined immunodeficiency due to LRBA deficiency. Also called: Common variable immunodeficiency 8, with autoimmunity. Identifiers: Orphanet 445018, MedGen C3553512, MONDO:0013863, OMIM 614700.

Allele frequency attached by ClinVar (database versions not stated): gnomAD exomes 0.00003; ExAC 0.00005; TOPMed 0.00011; gnomAD 0.00013; ESP Exome Variant Server 0.00031; 1000 Genomes Project 0.00060; 1000 Genomes Project 30x 0.00062.
gnomAD v4.1: 60 of 1,614,024 alleles (0.0037%); highest among the groups gnomAD compares: African/African-American, 0.048%; no homozygotes.

Submission:

Labcorp Genetics (formerly Invitae), Labcorp
Classification: Uncertain significance for Combined immunodeficiency due to LRBA deficiency. Last evaluated: 2024-11-25. Review status: criteria provided, single submitter. Criteria: Invitae Variant Classification Sherloc (09022015). Collection method: clinical testing. Allele origin: germline.
Comment: This sequence change replaces proline, which is neutral and non-polar, with leucine, which is neutral and non-polar, at codon 1652 of the LRBA protein (p.Pro1652Leu). This variant is present in population databases (rs138628532, gnomAD 0.07%). This variant has not been reported in the literature in individuals affected with LRBA-related conditions. ClinVar contains an entry for this variant (Variation ID: 2855567). Invitae Evidence Modeling of protein sequence and biophysical properties (such as structural, functional, and spatial information, amino acid conservation, physicochemical variation, residue mobility, and thermodynamic stability) indicates that this missense variant is not expected to disrupt LRBA protein function with a negative predictive value of 80%. In summary, the available evidence is currently insufficient to determine the role of this variant in disease. Therefore, it has been classified as a Variant of Uncertain Significance.

NM_001364905.1(LRBA):c.4955C>T (p.Pro1652Leu)

Gene: LRBA (LPS responsive beige-like anchor protein; minus strand). Cytogenetic location: 4q31.3.
Variant type: single nucleotide variant.
Coding change: c.4955C>T on transcript NM_001364905.1 (MANE Select); coding-DNA position 4955, C replaced by T.
Protein change: p.Pro1652Leu; replaces proline 1652 with leucine.
Molecular consequence: missense variant.
Genome position (GRCh38, 1-based): chr4:150,828,396, G>A on the plus strand (C>T on the coding strand, the complement: LRBA is on the minus strand). VCF-style: chr4-150828396-G-A. GRCh37 (hg19) VCF-style: chr4-151749548-G-A.
Other names: c.4955C>T, p.Pro1652Leu (NM_001199282.3, NM_001367550.1, NM_006726.5); short protein forms P1652L.
Identifiers: ClinVar variation 2855567 (VCV002855567.2), dbSNP rs138628532, ClinGen allele CA3102615.
Genomic context (GRCh38, chr4:150,828,396, plus strand): 5'-ACTGAAACTGACGGTGTAGCCTTAGTGTCCAAGTCATTTCCTCTATCATTTTTGGTTTCC[G>A]GAGACTTATTGACTTCTAAAGAAAGAGTAGATAGCACCTCGCTGATTGCATCTGGGCCTG-3'
Protein context (NP_001351834.1, residues 1642-1662): STLSLEVNKS[Pro1652Leu]ETKNDRGNDL